The following is an entry in ClinVar:

NM_001369.3(DNAH5):c.7934G>A (p.Gly2645Asp)

Gene: DNAH5 (dynein axonemal heavy chain 5; minus strand). Cytogenetic location: 5p15.2.
Variant type: single nucleotide variant.
Coding change: c.7934G>A on transcript NM_001369.3 (MANE Select); coding-DNA position 7934, G replaced by A.
Protein change: p.Gly2645Asp; replaces glycine 2645 with aspartic acid.
Molecular consequence: missense variant.
Genome position (GRCh38, 1-based): chr5:13,794,012, C>T on the plus strand (G>A on the coding strand, the complement: DNAH5 is on the minus strand). VCF-style: chr5-13794012-C-T. GRCh37 (hg19) VCF-style: chr5-13794121-C-T.
Other names: short protein forms G2645D.
Identifiers: ClinVar variation 1761297 (VCV001761297.2), dbSNP rs866732649, ClinGen allele CA113962542.

ClinVar aggregate classification (germline): Uncertain significance (1 of 4 stars; one submission).

Conditions:
Primary ciliary dyskinesia. Also called: Ciliary dyskinesia. Identifiers: Orphanet 244, MedGen C0008780, MONDO:0016575, HP:0012265.

Allele frequency attached by ClinVar (database versions not stated): gnomAD exomes below 0.00001.
gnomAD v4.1: 1 of 1,614,040 alleles (0.000062%); highest among the groups gnomAD compares: Non-Finnish European, 0.000085%; no homozygotes.

Submission:

Ambry Genetics
Classification: Uncertain significance for Primary ciliary dyskinesia. Last evaluated: 2022-03-07. Review status: criteria provided, single submitter. Criteria: Ambry Variant Classification Scheme 2023. Collection method: clinical testing. Allele origin: germline.
Comment: The p.G2645D variant (also known as c.7934G>A), located in coding exon 48 of the DNAH5 gene, results from a G to A substitution at nucleotide position 7934. The glycine at codon 2645 is replaced by aspartic acid, an amino acid with similar properties. This amino acid position is conserved. In addition, the in silico prediction for this alteration is inconclusive. Since supporting evidence is limited at this time, the clinical significance of this alteration remains unclear.